The following is an entry in ClinVar:

NM_001854.4(COL11A1):c.2674G>C (p.Gly892Arg)

Gene: COL11A1 (collagen type XI alpha 1 chain; minus strand). Cytogenetic location: 1p21.1.
Variant type: single nucleotide variant.
Coding change: c.2674G>C on transcript NM_001854.4 (MANE Select); coding-DNA position 2674, G replaced by C.
Protein change: p.Gly892Arg; replaces glycine 892 with arginine.
Molecular consequence: missense variant. On other transcripts: non-coding transcript variant (1).
Genome position (GRCh38, 1-based): chr1:102,978,895, C>G on the plus strand (G>C on the coding strand, the complement: COL11A1 is on the minus strand). VCF-style: chr1-102978895-C-G. GRCh37 (hg19) VCF-style: chr1-103444451-C-G.
Other names: c.2326G>C, p.Gly776Arg (NM_001168249.1, NM_080630.4); c.2557G>C, p.Gly853Arg (NM_001190709.2); c.2710G>C, p.Gly904Arg (NM_080629.3); short protein forms G776R, G853R, G892R, G904R.
Identifiers: ClinVar variation 2752553 (VCV002752553.3), dbSNP rs2525109714, ClinGen allele CA341163346.
Genomic context (GRCh38, chr1:102,978,895, plus strand): 5'-CAAACAGAAAAAGTACAGGTGATACCTTTGGCCCAGGTTTCCCAGTGGGACCTCTTGCAC[C>G]TCTTGAACCTCGAGGACCCTGCAGATGAGAACAAAAGATGAACCCAAACTAATGCCAGAC-3'
Protein context (NP_001845.3, residues 882-902): RGPTGPRGSR[Gly892Arg]ARGPTGKPGP

ClinVar aggregate classification (germline): Uncertain significance (1 of 4 stars; one submission).

Submission:

Labcorp Genetics (formerly Invitae), Labcorp
Classification: Uncertain significance. Last evaluated: 2023-08-23. Review status: criteria provided, single submitter. Criteria: Invitae Variant Classification Sherloc (09022015). Collection method: clinical testing. Allele origin: germline.
Comment: This variant has not been reported in the literature in individuals affected with COL11A1-related conditions. Advanced modeling of protein sequence and biophysical properties (such as structural, functional, and spatial information, amino acid conservation, physicochemical variation, residue mobility, and thermodynamic stability) has been performed at Invitae for this missense variant, however the output from this modeling did not meet the statistical confidence thresholds required to predict the impact of this variant on COL11A1 protein function. In summary, the available evidence is currently insufficient to determine the role of this variant in disease. Therefore, it has been classified as a Variant of Uncertain Significance. This variant is not present in population databases (gnomAD no frequency). This sequence change replaces glycine, which is neutral and non-polar, with arginine, which is basic and polar, at codon 892 of the COL11A1 protein (p.Gly892Arg).